The following is an entry in ClinVar:

ClinVar aggregate classification (germline): Uncertain significance (1 of 4 stars; one submission).

Conditions:
Hereditary cancer-predisposing syndrome. Also called: Neoplastic Syndromes, Hereditary; Tumor predisposition; Hereditary Cancer Syndrome; Hereditary neoplastic syndrome. Identifiers: Orphanet 140162, MedGen C0027672, MeSH D009386, MONDO:0015356.

Submission:

Ambry Genetics
Classification: Uncertain significance for Hereditary cancer-predisposing syndrome. Last evaluated: 2025-09-26. Review status: criteria provided, single submitter. Criteria: Ambry Variant Classification Scheme 2023. Collection method: clinical testing. Allele origin: germline.
Comment: The p.G599V variant (also known as c.1796G>T), located in coding exon 4 of the MSH6 gene, results from a G to T substitution at nucleotide position 1796. The glycine at codon 599 is replaced by valine, an amino acid with dissimilar properties. This amino acid position is conserved. In addition, this alteration is predicted to be deleterious by in silico analysis. Based on the available evidence, the clinical significance of this variant remains unclear.

NM_000179.3(MSH6):c.1796G>T (p.Gly599Val)

Gene: MSH6 (mutS homolog 6; plus strand). Cytogenetic location: 2p16.3.
Variant type: single nucleotide variant.
Coding change: c.1796G>T on transcript NM_000179.3 (MANE Select); coding-DNA position 1796, G replaced by T.
Protein change: p.Gly599Val; replaces glycine 599 with valine.
Molecular consequence: missense variant. On other transcripts: non-coding transcript variant (4), intron variant (2).
Genome position (GRCh38, 1-based): chr2:47,799,779, G>T. VCF-style: chr2-47799779-G-T. GRCh37 (hg19) VCF-style: chr2-48026918-G-T.
Other names: c.1406G>T, p.Gly469Val (NM_001281492.2); c.890G>T, p.Gly297Val (NM_001281493.2, NM_001281494.2, NM_001406811.1 and 6 more transcripts); c.1892G>T, p.Gly631Val (NM_001406795.1, NM_001406802.1); c.1796G>T, p.Gly599Val (NM_001406796.1, NM_001406798.1, NM_001406800.1 and 3 more transcripts); c.1499G>T, p.Gly500Val (NM_001406797.1, NM_001406801.1, NM_001406805.1 and 10 more transcripts); c.1271G>T, p.Gly424Val (NM_001406799.1, NM_001406806.1, NM_001406807.1); c.1718G>T, p.Gly573Val (NM_001406804.1); c.1802G>T, p.Gly601Val (NM_001406813.1); and 3 more; short protein forms G500V, G599V, G631V, G543V, G573V, G601V, G297V, G424V.
Identifiers: ClinVar variation 4657516 (VCV004657516.1).
Genomic context (GRCh38, chr2:47,799,779, plus strand): 5'-GTTCGAGATTTAGGACTCTAGTGGCACACTATCCCCCAGTACAAGTTTTATTTGAAAAAG[G>T]AAATCTCTCAAAGGAAACTAAAACAATTCTAAAGAGTTCATTGTCCTGTTCTCTTCAGGA-3'
Protein context (NP_000170.1, residues 589-609): YPPVQVLFEK[Gly599Val]NLSKETKTIL